The following is an entry in ClinVar:

ClinVar aggregate classification (germline): Uncertain significance (1 of 4 stars; one submission).

Conditions:
X-linked chondrodysplasia punctata 1 (CDPX1). Also called: Chondrodysplasia punctata, X-linked recessive; CHONDRODYSPLASIA PUNCTATA, BRACHYTELEPHALANGIC. Identifiers: Orphanet 79345, MedGen C3669395, MONDO:0010555, OMIM 302950.

Submission:

Juno Genomics, Hangzhou Juno Genomics, Inc
Classification: Uncertain significance for X-linked chondrodysplasia punctata 1. Review status: criteria provided, single submitter. Criteria: ACMG Guidelines, 2015. Collection method: clinical testing. Allele origin: germline.
Comment: Absent from controls (or at extremely low frequency if recessive) in Genome Aggregation Database.;Multiple lines of computational evidence support a deleterious effect on the gene or gene product.

NM_000047.3(ARSL):c.984G>C (p.Trp328Cys)

Gene: ARSL (arylsulfatase L; minus strand). Cytogenetic location: Xp22.33.
Variant type: single nucleotide variant.
Coding change: c.984G>C on transcript NM_000047.3 (MANE Select); coding-DNA position 984, G replaced by C.
Protein change: p.Trp328Cys; replaces tryptophan 328 with cysteine.
Molecular consequence: missense variant.
Genome position (GRCh38, 1-based): chrX:2,946,005, C>G on the plus strand (G>C on the coding strand, the complement: ARSL is on the minus strand). VCF-style: chrX-2946005-C-G. GRCh37 (hg19) VCF-style: chrX-2864046-C-G.
Other names: c.1059G>C, p.Trp353Cys (NM_001282628.2, NM_001369080.1); c.822G>C, p.Trp274Cys (NM_001282631.2, NM_001440750.1); c.1011G>C, p.Trp337Cys (NM_001369079.1); c.984G>C, p.Trp328Cys (NM_001440751.1); short protein forms W274C, W328C, W353C, W337C.
Identifiers: ClinVar variation 5007546 (VCV005007546.2).